The following is an entry in ClinVar:

ClinVar aggregate classification (germline): Uncertain significance. Review status: criteria provided, multiple submitters, no conflicts (2 of 4 stars). 4 submissions from 4 submitters: Uncertain significance (4). Last evaluated 2026-01-22.

Conditions:
Evans syndrome, immunodeficiency, and premature immunosenescence associated with tripeptidyl-peptidase II deficiency. Identifiers: MedGen CN231723. Disease mechanism: loss of function.
Immunodeficiency 78 with autoimmunity and developmental delay. Also called: TPP2 deficiency. Identifiers: MedGen C5543159, MONDO:0030971, OMIM 619220.

Allele frequency attached by ClinVar (database versions not stated): ExAC 0.00012; gnomAD exomes 0.00012 and 0.00022; gnomAD 0.00016; TOPMed 0.00016; ESP Exome Variant Server 0.00023.
gnomAD v4.1: 347 of 1,600,148 alleles (0.022%); highest among the groups gnomAD compares: Non-Finnish European, 0.027%; no homozygotes.

Submissions (4):

Labcorp Genetics (formerly Invitae), Labcorp
Classification: Uncertain significance for Evans syndrome, immunodeficiency, and premature immunosenescence associated with tripeptidyl-peptidase II deficiency. Last evaluated: 2026-01-22. Review status: criteria provided, single submitter. Criteria: Invitae Variant Classification Sherloc (09022015). Collection method: clinical testing. Allele origin: germline.
Comment: This sequence change replaces glutamic acid, which is acidic and polar, with glycine, which is neutral and non-polar, at codon 1012 of the TPP2 protein (p.Glu1012Gly). This variant is present in population databases (rs199569052, gnomAD 0.02%). This missense change has been observed in individual(s) with multiple sclerosis (PMID: 30533531). ClinVar contains an entry for this variant (Variation ID: 662393). An algorithm developed to predict the effect of missense changes on protein structure and function (PolyPhen-2) suggests that this variant is likely to be tolerated. In summary, the available evidence is currently insufficient to determine the role of this variant in disease. Therefore, it has been classified as a Variant of Uncertain Significance.

Mayo Clinic Laboratories, Mayo Clinic
Classification: Uncertain significance. Last evaluated: 2024-08-19. Review status: criteria provided, single submitter. Criteria: ACMG Guidelines, 2015. Collection method: clinical testing. Allele origin: germline. Observed: 1 variant allele.
Comment: BP4, PM2

Victorian Clinical Genetics Services, Murdoch Childrens Research Institute
Classification: Uncertain significance for Immunodeficiency 78 with autoimmunity and developmental delay. Last evaluated: 2022-06-24. Review status: criteria provided, single submitter. Criteria: ACMG Guidelines, 2015. Collection method: clinical testing. Allele origin: germline. Inheritance: Autosomal recessive inheritance. Affected: yes.
Comment: Based on the classification scheme VCGS_Germline_v1.3.4, this variant is classified as VUS-3B. Following criteria are met: 0102 - Loss of function is a known mechanism of disease in this gene and is associated with immunodeficiency 78 with autoimmunity and developmental delay (MIM#619220). (I) 0106 - This gene is associated with autosomal recessive disease. (I) 0200 - Variant is predicted to result in a missense amino acid change from glutamic acid to glycine. (I) 0251 - This variant is heterozygous. (I) 0304 - Variant is present in gnomAD (v2) <0.01 for a recessive condition (34 heterozygotes, 0 homozygotes). (SP) 0502 - Missense variant with conflicting in silico predictions and uninformative conservation. (I) 0604 - Variant is not located in an established domain, motif, hotspot or informative constraint region. (I) 0705 - No comparable missense variants have previous evidence for pathogenicity. (I) 0809 - Previous evidence of pathogenicity for this variant is inconclusive. This variant has been reported as a VUS, and observed in a heterozygous individual with mild nonprogressive multiple sclerosis with an alternative diagnosis in the same gene (ClinVar, PMID: 30533531). (I) 0905 - No published segregation evidence has been identified for this variant. (I) 1007 - No published functional evidence has been identified for this variant. (I) 1208 - Inheritance information for this variant is not currently available in this individual. (I) Legend: (SP) - Supporting pathogenic, (I) - Information, (SB) - Supporting benign

Fulgent Genetics
Classification: Uncertain significance for Immunodeficiency 78 with autoimmunity and developmental delay. Last evaluated: 2022-04-29. Review status: criteria provided, single submitter. Criteria: ACMG Guidelines, 2015. Collection method: clinical testing. Allele origin: unknown.

Literature cited by the submitters: PubMed 30533531 (cited by 3 submitters).

NM_001330588.2(TPP2):c.3074A>G (p.Glu1025Gly)

Gene: TPP2 (tripeptidyl peptidase 2; plus strand). Cytogenetic location: 13q33.1.
Variant type: single nucleotide variant.
Coding change: c.3074A>G on transcript NM_001330588.2 (MANE Select); coding-DNA position 3074, A replaced by G.
Protein change: p.Glu1025Gly; replaces glutamic acid 1025 with glycine.
Molecular consequence: missense variant. On other transcripts: non-coding transcript variant (1).
Genome position (GRCh38, 1-based): chr13:102,657,138, A>G. VCF-style: chr13-102657138-A-G. GRCh37 (hg19) VCF-style: chr13-103309488-A-G.
Other names: p.Glu1012Gly; c.3074A>G, p.Glu1025Gly (LRG_1341t1); c.3035A>G, p.Glu1012Gly (NM_001367947.1, NM_003291.4); short protein forms E1012G, E1025G.
Identifiers: ClinVar variation 662393 (VCV000662393.13), dbSNP rs199569052, ClinGen allele CA7038182.